The following is an entry in ClinVar:

ClinVar aggregate classification (germline): Pathogenic (1 of 4 stars; one submission).

Conditions:
Congenital generalized lipodystrophy type 2 (CGL2). Also called: SEIP SYNDROME; Berardinelli-Seip Congenital Lipodystrophy Type 2; BERARDINELLI SYNDROME; BRUNZELL SYNDROME, BSCL2-RELATED. Identifiers: Orphanet 528, Orphanet 696289, MedGen C1720863, MONDO:0010020, OMIM 269700.

Submission:

Women's Health and Genetics/Laboratory Corporation of America, LabCorp
Classification: Pathogenic for Congenital generalized lipodystrophy type 2. Last evaluated: 2025-10-07. Review status: criteria provided, single submitter. Criteria: LabCorp Variant Classification Summary - May 2015. Collection method: clinical testing. Allele origin: germline.
Comment: Variant summary: BSCL2 c.132_133delGT (p.Ser45CysfsX30) results in a premature termination codon, predicted to cause a truncation of the encoded protein or absence of the protein due to nonsense mediated decay, which are commonly known mechanisms for disease. The variant was absent in 251140 control chromosomes. To our knowledge, no occurrence of c.132_133delGT in individuals affected with BSCL2-related conditions and no experimental evidence demonstrating its impact on protein function have been reported. No submitters have cited clinical-significance assessments for this variant to ClinVar. Based on the evidence outlined above, the variant was classified as pathogenic.

NM_001122955.4(BSCL2):c.324_325del (p.Ser109fs)

Genes: BSCL2 (BSCL2 lipid droplet biogenesis associated, seipin; minus strand), HNRNPUL2-BSCL2 (HNRNPUL2-BSCL2 readthrough (NMD candidate); minus strand). Cytogenetic location: 11q12.3.
Variant type: Microsatellite.
Coding change: c.324_325del on transcript NM_001122955.4 (MANE Select); coding-DNA positions 324 to 325, 2 bases deleted (GT; older notation c.324_325delGT).
Protein change: p.Ser109fs; shifts the reading frame from serine 109.
Molecular consequence: frameshift variant. On other transcripts: non-coding transcript variant (1).
Genome position (GRCh38, 1-based): chr11:62,705,380-62,705,381, AC deleted on the plus strand (GT on the coding strand, the reverse complement: BSCL2 is on the minus strand); deleting any 2 consecutive bases within chr11:62,705,380-62,705,383 gives the same sequence; the c. name uses the placement nearest the transcript's 3' end. VCF-style (leftmost placement, unchanged base first): chr11-62705379-GAC-G. GRCh37 (hg19) VCF-style: chr11-62472851-GAC-G.
Other names: c.132_133delGT (NM_032667.6); c.132_133del, p.Ser45fs (NM_001130702.2, NM_032667.6); c.324_325del, p.Ser109fs (NM_001386027.1, NM_001386028.1); short protein forms S109fs, S45fs.
Identifiers: ClinVar variation 4687517 (VCV004687517.1).